The following is an entry in ClinVar:

NM_002439.5(MSH3):c.978T>G (p.Phe326Leu)

Genes: MSH3 (mutS homolog 3; plus strand), LOC126807437 (MED14-independent group 3 enhancer GRCh37_chr5:79968379-79969578; plus strand). Cytogenetic location: 5q14.1.
Variant type: single nucleotide variant.
Coding change: c.978T>G on transcript NM_002439.5 (MANE Select); coding-DNA position 978, T replaced by G.
Protein change: p.Phe326Leu; replaces phenylalanine 326 with leucine.
Molecular consequence: missense variant.
Genome position (GRCh38, 1-based): chr5:80,672,809, T>G. VCF-style: chr5-80672809-T-G. GRCh37 (hg19) VCF-style: chr5-79968628-T-G.
Other names: short protein forms F326L.
Identifiers: ClinVar variation 4860358 (VCV004860358.1).

ClinVar aggregate classification (germline): Uncertain significance (1 of 4 stars; one submission).

Conditions:
Hereditary cancer-predisposing syndrome. Also called: Neoplastic Syndromes, Hereditary; Tumor predisposition; Hereditary Cancer Syndrome; Hereditary neoplastic syndrome. Identifiers: Orphanet 140162, MedGen C0027672, MeSH D009386, MONDO:0015356.

Submission:

Ambry Genetics
Classification: Uncertain significance for Hereditary cancer-predisposing syndrome. Last evaluated: 2026-05-31. Review status: criteria provided, single submitter. Criteria: Ambry Variant Classification Scheme 2023. Collection method: clinical testing. Allele origin: germline.
Comment: The p.F326L variant (also known as c.978T>G), located in coding exon 6 of the MSH3 gene, results from a T to G substitution at nucleotide position 978. The phenylalanine at codon 326 is replaced by leucine, an amino acid with highly similar properties. This amino acid position is conserved. In addition, the in silico prediction for this alteration is inconclusive. Based on the available evidence, the clinical significance of this variant remains unclear.